The following is an entry in ClinVar:

ClinVar aggregate classification (germline): Likely benign (0 of 4 stars; one submission).

Conditions:
PCSK1-related disorder. Also called: PCSK1-related condition.

gnomAD v4.1: 2 of 1,614,020 alleles (0.00012%); highest among the groups gnomAD compares: Non-Finnish European, 0.00017%; no homozygotes.

Submission:

PreventionGenetics, part of Exact Sciences
Classification: Likely benign for PCSK1-related condition. Last evaluated: 2020-06-22. Review status: no assertion criteria provided. Collection method: clinical testing. Allele origin: germline.
Comment: This variant is classified as likely benign based on ACMG/AMP sequence variant interpretation guidelines (Richards et al. 2015 PMID: 25741868, with internal and published modifications).

NM_000439.5(PCSK1):c.141G>C (p.Ser47=)

Genes: CAST (calpastatin; plus strand), PCSK1 (proprotein convertase subtilisin/kexin type 1; minus strand), LOC101929710 (uncharacterized LOC101929710; plus strand). Cytogenetic location: 5q15.
Variant type: single nucleotide variant.
Coding change: c.141G>C on transcript NM_000439.5 (MANE Select); coding-DNA position 141, G replaced by C.
Protein change: p.Ser47=; no amino-acid change (serine 47 retained).
Molecular consequence: synonymous variant. On other transcripts: intron variant (11).
Genome position (GRCh38, 1-based): chr5:96,432,902, C>G on the plus strand (G>C on the coding strand, the complement: PCSK1 is on the minus strand). VCF-style: chr5-96432902-C-G. GRCh37 (hg19) VCF-style: chr5-95768606-C-G.
Other names: c.-175+53250C>G (NM_001423254.1, NM_001423259.1, NM_001423255.1 and 6 more transcripts); c.-103+53250C>G (NM_001423253.1); c.-40+53250C>G (NM_001423258.1).
Identifiers: ClinVar variation 3351784 (VCV003351784.1).
Genomic context (GRCh38, chr5:96,432,902, plus strand): 5'-CTTGAAAGTGGAAACTCTTACCTGACCCAAAAGGTCATAGCCCAGCTCCTCGGCGATGGC[C>G]GAGGCTGCTTCCGGGCCCCCGGGGATCTCCGCTGCCCATTCATTGACAAATTGCCTTTTC-3'
Protein context (NP_000430.3, residues 37-57): AEIPGGPEAA[Ser47=]AIAEELGYDL